The following is an entry in ClinVar:

ClinVar aggregate classification (germline): Likely pathogenic (1 of 4 stars; one submission).

Submissions (2):

GeneDx
Classification: Likely pathogenic. Last evaluated: 2025-07-30. Review status: criteria provided, single submitter. Criteria: GeneDx Variant Classification Process June 2021. Collection method: clinical testing. Allele origin: germline.
Comment: Not observed at significant frequency in large population cohorts (gnomAD); In silico analysis suggests that this missense variant does not alter protein structure/function; Has not been previously published as pathogenic or benign to our knowledge

Dr. Peter K. Rogan Lab, Western University
No classification provided (evidence only). Condition: Malignant tumor of urinary bladder. Review status: no classification provided. Collection method: in vitro. Allele origin: not applicable. Functional consequence: retained intron. Not counted in ClinVar's aggregate classification.

NM_020699.4(GATAD2B):c.948C>G (p.Ile316Met)

Gene: GATAD2B (GATA zinc finger domain containing 2B; minus strand). Cytogenetic location: 1q21.3.
Variant type: single nucleotide variant.
Coding change: c.948C>G on transcript NM_020699.4 (MANE Select); coding-DNA position 948, C replaced by G.
Protein change: p.Ile316Met; replaces isoleucine 316 with methionine.
Molecular consequence: missense variant.
Genome position (GRCh38, 1-based): chr1:153,816,541, G>C on the plus strand (C>G on the coding strand, the complement: GATAD2B is on the minus strand). VCF-style: chr1-153816541-G-C. GRCh37 (hg19) VCF-style: chr1-153789017-G-C.
Other names: NC_000001.10:g.153789017G>C; short protein forms I316M.
Identifiers: ClinVar variation 3252482 (VCV003252482.3), dbSNP rs2525248421.